The following is an entry in ClinVar:

ClinVar aggregate classification (germline): Conflicting classifications of pathogenicity. Review status: criteria provided, conflicting classifications (1 of 4 stars). 2 submissions from 2 submitters: Likely pathogenic (1); Uncertain significance (1). Last evaluated 2023-03-30.

Conditions:
Episodic ataxia type 2 (EA2). Also called: ATAXIA, EPISODIC, WITH NYSTAGMUS; ATAXIA, FAMILIAL PAROXYSMAL; CEREBELLAR ATAXIA, PAROXYSMAL, ACETAZOLAMIDE-RESPONSIVE; CEREBELLOPATHY, HEREDITARY PAROXYSMAL; ACETAZOLAMIDE-RESPONSIVE HEREDITARY PAROXYSMAL CEREBELLAR ATAXIA; EPISODIC ATAXIA, NYSTAGMUS-ASSOCIATED. Identifiers: Orphanet 97, MedGen C1720416, MONDO:0007163, OMIM 108500.
Developmental and epileptic encephalopathy, 42 (DEE42A). Also called: Epileptic encephalopathy, early infantile, 42; DEVELOPMENTAL AND EPILEPTIC ENCEPHALOPATHY 42A; EPILEPTIC ENCEPHALOPATHY, EARLY INFANTILE, 42A. Identifiers: MedGen C4310716, MONDO:0014917, OMIM 617106.
CACNA1A-related disorder. Also called: CACNA1A-related condition.

Submissions (2):

Blueprint Genetics
Classification: Likely pathogenic for CACNA1A-related disorders. Last evaluated: 2023-03-30. Review status: criteria provided, single submitter. Criteria: ACMG Guidelines, 2015. Collection method: clinical testing. Allele origin: germline. Affected: yes. Observed: 1 variant allele.

Labcorp Genetics (formerly Invitae), Labcorp
Classification: Uncertain significance for Epileptic encephalopathy, early infantile, 42; Episodic ataxia type 2. Last evaluated: 2019-04-16. Review status: criteria provided, single submitter. Criteria: Invitae Variant Classification Sherloc (09022015). Collection method: clinical testing. Allele origin: germline.
Comment: This sequence change replaces aspartic acid with glycine at codon 715 of the CACNA1A protein (p.Asp715Gly). The aspartic acid residue is highly conserved and there is a moderate physicochemical difference between aspartic acid and glycine. This variant is not present in population databases (ExAC no frequency). This variant has not been reported in the literature in individuals with CACNA1A-related conditions. Algorithms developed to predict the effect of missense changes on protein structure and function (SIFT, PolyPhen-2, Align-GVGD) all suggest that this variant is likely to be disruptive, but these predictions have not been confirmed by published functional studies and their clinical significance is uncertain. This variant disrupts the p.Asp715 amino acid residue in CACNA1A. Other variant(s) that disrupt this residue have been determined to be pathogenic (PMID: 10734061, 9915947). This suggests that this residue is clinically significant, and that variants that disrupt this residue are likely to be disease-causing. In summary, the available evidence is currently insufficient to determine the role of this variant in disease. Therefore, it has been classified as a Variant of Uncertain Significance.

Literature cited by the submitters: PubMed 9915947 (cited by Labcorp Genetics (formerly Invitae), Labcorp); PubMed 10734061 (cited by Labcorp Genetics (formerly Invitae), Labcorp).

NM_001127222.2(CACNA1A):c.2141A>G (p.Asp714Gly)

Gene: CACNA1A (calcium voltage-gated channel subunit alpha1 A; minus strand). Cytogenetic location: 19p13.13.
Variant type: single nucleotide variant.
Coding change: c.2141A>G on transcript NM_001127222.2 (MANE Select); coding-DNA position 2141, A replaced by G.
Protein change: p.Asp714Gly; replaces aspartic acid 714 with glycine.
Molecular consequence: missense variant.
Genome position (GRCh38, 1-based): chr19:13,303,577, T>C on the plus strand (A>G on the coding strand, the complement: CACNA1A is on the minus strand). VCF-style: chr19-13303577-T-C. GRCh37 (hg19) VCF-style: chr19-13414391-T-C.
Other names: c.2144A>G, p.Asp715Gly (NM_000068.4, NM_001127221.2, NM_001174080.2 and 1 more transcripts); short protein forms D715G, D714G.
Identifiers: ClinVar variation 949952 (VCV000949952.2), dbSNP rs2057836063, ClinGen allele CA404344165.
Genomic context (GRCh38, chr19:13,303,577, plus strand): 5'-CCAGAGAAACATTCTCCCACCGCCTCCACCTTGGTGAGCTCCTGGGCGTTGGCCAGATTG[T>C]CCACAGCGATGGCCAAGAACACATTCAGGAGGGTGTCTGCAAATGTCTGAGTCAGGAAAA-3'
Protein context (NP_001120694.1, residues 704-724): LLNVFLAIAV[Asp714Gly]NLANAQELTK